The following is an entry in ClinVar:

NM_001267550.2(TTN):c.92152+7T>G

Genes: TTN-AS1 (TTN antisense RNA 1; plus strand), TTN (titin; minus strand). Cytogenetic location: 2q31.2.
Variant type: single nucleotide variant.
Coding change: c.92152+7T>G on transcript NM_001267550.2 (MANE Select); 7 bases into the intron after coding-DNA position 92152, T replaced by G.
Molecular consequence: intron variant.
Genome position (GRCh38, 1-based): chr2:178,549,563, A>C on the plus strand (T>G on the coding strand, the complement: TTN is on the minus strand). VCF-style: chr2-178549563-A-C. GRCh37 (hg19) VCF-style: chr2-179414290-A-C.
Other names: NC_000002.11:g.179414290A>C; c.92152+7T>G (NM_001267550.1); c.64957+7T>G (NM_003319.4); c.65533+7T>G (NM_133437.4); c.65332+7T>G (NM_133432.3); c.84448+7T>G (NM_133378.4); c.87229+7T>G (NM_001256850.1).
Identifiers: ClinVar variation 467644 (VCV000467644.11), dbSNP rs574211300, ClinGen allele CA1987488.

ClinVar aggregate classification (germline): Uncertain significance. Review status: criteria provided, multiple submitters, no conflicts (2 of 4 stars). 6 submissions from 6 submitters: Uncertain significance (3). 3 of the submissions do not count toward it. Last evaluated 2022-02-02.

Conditions:
Dilated cardiomyopathy 1G (CMD1G). Identifiers: Orphanet 154, MedGen C1858763, MONDO:0011400, OMIM 604145.
TTN-related disorder. Also called: TTN-related condition; TTN-related disease; TTN-related disorders.
Autosomal recessive limb-girdle muscular dystrophy type 2J (LGMDR10). Also called: Limb-girdle muscular dystrophy, type 2J; MUSCULAR DYSTROPHY, LIMB-GIRDLE, AUTOSOMAL RECESSIVE 10. Identifiers: Orphanet 140922, MedGen C1837342, MONDO:0012127, OMIM 608807.

Allele frequency attached by ClinVar (database versions not stated): gnomAD exomes 0.00001 and 0.00002; gnomAD 0.00002 and 0.00006; TOPMed 0.00002; ExAC 0.00003; 1000 Genomes Project 30x 0.00094; 1000 Genomes Project 0.00100.
gnomAD v4.1: 20 of 1,607,106 alleles (0.0012%); highest among the groups gnomAD compares: East Asian, 0.036%; no homozygotes.

Submissions (7):

Victorian Clinical Genetics Services, Murdoch Childrens Research Institute
Classification: Uncertain significance for Dilated cardiomyopathy 1G. Last evaluated: 2022-02-02. Review status: criteria provided, single submitter. Criteria: ACMG Guidelines, 2015. Collection method: clinical testing. Allele origin: germline. Inheritance: Autosomal dominant inheritance. Affected: yes.
Comment: Based on the classification scheme VCGS_Germline_v1.3.4, this variant is classified as VUS-3C. Following criteria are met: 0103 - Loss of function is an established mechanism of disease while dominant negative is a likely mechanism as not all truncated transcripts in dilated cardiomyopathy (DCM) individuals undergo nonsense mediated decay (PMID: 25589632). (I) 0108 - This gene is associated with both recessive and dominant disease (OMIM). (I) 0112 - The condition associated with this gene has incomplete penetrance. Protein truncating variants in this gene are known to have reduced penetrance in DCM (PMID: 25589632). (I) 0212 - Non-canonical splice site variant without proven consequence on splicing (no functional evidence available). (SP) 0251 - This variant is heterozygous. (I) 0302 - Variant is present in gnomAD (v3) <0.001 for a dominant condition (10 heterozygotes, 0 homozygotes). (SP) 0506 - Abnormal splicing is not predicted and nucleotide is poorly conserved. (SB) 0705 - No comparable splice variants have previous evidence for pathogenicity. (I) 0808 - Previous reports of pathogenicity for this variant are conflicting. This variant has been previously reported as a VUS (ClinVar), and as likely benign and benign (LOVD). (I) 0906 - Segregation evidence for this variant is inconclusive. (I) 1007 - No published functional evidence has been identified for this variant. (I) 1208 - Inheritance information for this variant is not currently available in this individual. (I) Legend: (SP) - Supporting pathogenic, (I) - Information, (SB) - Supporting benign

Labcorp Genetics (formerly Invitae), Labcorp
Classification: Uncertain significance for Dilated cardiomyopathy 1G; Autosomal recessive limb-girdle muscular dystrophy type 2J. Last evaluated: 2017-04-14. Review status: criteria provided, single submitter. Criteria: Invitae Variant Classification Sherloc (09022015). Collection method: clinical testing. Allele origin: germline.

Breakthrough Genomics
Classification: Uncertain significance. Review status: criteria provided, single submitter. Criteria: ACMG Guidelines, 2015. Collection method: not provided. Allele origin: germline. Inheritance: Autosomal recessive inheritance. Affected: yes.

PreventionGenetics, part of Exact Sciences
Classification: Likely benign for TTN-related condition. Last evaluated: 2024-06-27. Review status: no assertion criteria provided. Collection method: clinical testing. Allele origin: germline. Not counted in ClinVar's aggregate classification.
Comment: This variant is classified as likely benign based on ACMG/AMP sequence variant interpretation guidelines (Richards et al. 2015 PMID: 25741868, with internal and published modifications).

Clinical Genetics DNA and cytogenetics Diagnostics Lab, Erasmus MC, Erasmus Medical Center
Classification: Benign. Review status: no assertion criteria provided. Collection method: clinical testing. Allele origin: germline. Affected: yes. Study: VKGL Data-share Consensus. Not counted in ClinVar's aggregate classification.

Diagnostic Laboratory, Department of Genetics, University Medical Center Groningen
Classification: Likely benign. Review status: no assertion criteria provided. Collection method: clinical testing. Allele origin: germline. Affected: yes. Study: VKGL Data-share Consensus. Not counted in ClinVar's aggregate classification.

Dr. Peter K. Rogan Lab, Western University
No classification provided (evidence only). Condition: Malignant lymphoma, large B-cell, diffuse. Review status: no classification provided. Collection method: in vitro. Allele origin: not applicable. Functional consequence: retained intron. Not counted in ClinVar's aggregate classification.

Literature cited by the submitters: PubMed 25589632 (cited by Victorian Clinical Genetics Services, Murdoch Childrens Research Institute).